The following is an entry in ClinVar:

NM_031220.4(PITPNM3):c.752C>T (p.Ser251Phe)

Gene: PITPNM3 (PITPNM family member 3; minus strand). Cytogenetic location: 17p13.2.
Variant type: single nucleotide variant.
Coding change: c.752C>T on transcript NM_031220.4 (MANE Select); coding-DNA position 752, C replaced by T.
Protein change: p.Ser251Phe; replaces serine 251 with phenylalanine.
Molecular consequence: missense variant.
Genome position (GRCh38, 1-based): chr17:6,478,572, G>A on the plus strand (C>T on the coding strand, the complement: PITPNM3 is on the minus strand). VCF-style: chr17-6478572-G-A. GRCh37 (hg19) VCF-style: chr17-6381892-G-A.
Other names: c.644C>T, p.Ser215Phe (NM_001165966.2); short protein forms S215F, S251F.
Identifiers: ClinVar variation 2127214 (VCV002127214.4), dbSNP rs2544018514, ClinGen allele CA397408996.

ClinVar aggregate classification (germline): Uncertain significance (1 of 4 stars; one submission).

Submission:

Labcorp Genetics (formerly Invitae), Labcorp
Classification: Uncertain significance. Last evaluated: 2022-04-17. Review status: criteria provided, single submitter. Criteria: Invitae Variant Classification Sherloc (09022015). Collection method: clinical testing. Allele origin: germline.
Comment: This sequence change replaces serine, which is neutral and polar, with phenylalanine, which is neutral and non-polar, at codon 251 of the PITPNM3 protein (p.Ser251Phe). This variant is not present in population databases (gnomAD no frequency). This variant has not been reported in the literature in individuals affected with PITPNM3-related conditions. Algorithms developed to predict the effect of missense changes on protein structure and function are either unavailable or do not agree on the potential impact of this missense change (SIFT: "Deleterious"; PolyPhen-2: "Benign"; Align-GVGD: "Class C0"). In summary, the available evidence is currently insufficient to determine the role of this variant in disease. Therefore, it has been classified as a Variant of Uncertain Significance.